The following is an entry in ClinVar:

NM_001195553.2(DCX):c.139A>C (p.Ser47Arg)

Gene: DCX (doublecortin; minus strand). Cytogenetic location: Xq23.
Variant type: single nucleotide variant.
Coding change: c.139A>C on transcript NM_001195553.2 (MANE Select); coding-DNA position 139, A replaced by C.
Protein change: p.Ser47Arg; replaces serine 47 with arginine.
Molecular consequence: missense variant.
Genome position (GRCh38, 1-based): chrX:111,410,260, T>G on the plus strand (A>C on the coding strand, the complement: DCX is on the minus strand). VCF-style: chrX-111410260-T-G. GRCh37 (hg19) VCF-style: chrX-110653488-T-G.
Other names: c.139A>C, p.Ser47Arg (NM_001369372.1, NM_001369373.1, NM_001369374.1 and 5 more transcripts); c.382A>C, p.Ser128Arg (NM_000555.3); short protein forms S47R, S128R.
Identifiers: ClinVar variation 11603 (VCV000011603.8), dbSNP rs104894783, ClinGen allele CA121600.
Genomic context (GRCh38, chrX:111,410,260, plus strand): 5'-CCTTGAAGTAGCGGTCCCCATTGCGGTAGAAACGTACCTTCTTGGCTTTCTTCTCATTAC[T>G]CAGTGCCTGCAAGGTTCTGGTTCGGTAGAAGCTACAGTGGGCGCTGTGAGTGGGGCTAGG-3'
Protein context (NP_001182482.1, residues 37-57): FYRTRTLQAL[Ser47Arg]NEKKAKKVRF

ClinVar aggregate classification (germline): Conflicting classifications of pathogenicity. Review status: criteria provided, conflicting classifications (1 of 4 stars). 4 submissions from 3 submitters: Likely pathogenic (1); Uncertain significance (1). 2 of the submissions do not count toward it. Last evaluated 2026-05-11.

Conditions:
DCX-related disorder. Also called: DCX-Related Disorders; DCX-related condition. Identifiers: MedGen CN381525.
Lissencephaly type 1 due to doublecortin gene mutation. Also called: LISSENCEPHALY, X-LINKED, 1; LISSENCEPHALY AND AGENESIS OF CORPUS CALLOSUM. Identifiers: Orphanet 2148, MedGen C4551968, MONDO:0010239, OMIM 300067.
Subcortical laminar heterotopia, X-linked (SCLH). Also called: Subcortical laminal heterotopia, X-linked. Identifiers: MedGen C1848070.

Submissions (4):

Women's Health and Genetics/Laboratory Corporation of America, LabCorp
Classification: Likely pathogenic for DCX-Related Disorders. Last evaluated: 2026-05-11. Review status: criteria provided, single submitter. Criteria: LabCorp Variant Classification Summary - May 2015. Collection method: clinical testing. Allele origin: germline.
Comment: Variant summary: DCX c.139A>C (p.Ser47Arg) results in a non-conservative amino acid change in the encoded protein sequence. Algorithms developed to predict the effect of missense changes on protein structure and function are either unavailable or do not agree on the potential impact of this missense change. The variant was absent in 183123 control chromosomes. c.139A>C has been observed in individual(s) affected with DCX-Related Disorders (Gleeson_1998, internal_testing). These data indicate that the variant may be associated with disease. At least one publication reports experimental evidence evaluating an impact on protein function and indicates that this variant impacts protein function (e.g. Shmueli_2001, Liu_2012, Bechstedt_2012). The following publications have been ascertained in the context of this evaluation (PMID: 9489700, 10749977, 11331616, 22857951). ClinVar contains an entry for this variant (Variation ID: 11603). Based on the evidence outlined above, the variant was classified as likely pathogenic.

Labcorp Genetics (formerly Invitae), Labcorp
Classification: Uncertain significance. Last evaluated: 2021-11-23. Review status: criteria provided, single submitter. Criteria: Invitae Variant Classification Sherloc (09022015). Collection method: clinical testing. Allele origin: germline.
Comment: In summary, the available evidence is currently insufficient to determine the role of this variant in disease. Therefore, it has been classified as a Variant of Uncertain Significance. This variant disrupts the p.Ser47 amino acid residue in DCX. Other variant(s) that disrupt this residue have been observed in individuals with DCX-related conditions (PMID: 9489700, 23365099), which suggests that this may be a clinically significant amino acid residue. Experimental studies have shown that this missense change affects DCX function (PMID: 10749977, 11331616, 22857951). Algorithms developed to predict the effect of missense changes on protein structure and function are either unavailable or do not agree on the potential impact of this missense change (SIFT: "Deleterious"; PolyPhen-2: "Benign"; Align-GVGD: "Class C15"). ClinVar contains an entry for this variant (Variation ID: 11603). This missense change has been observed in individual(s) with lissencephaly and subcortical band heterotopia (PMID: 9489700). This variant is not present in population databases (gnomAD no frequency). This sequence change replaces serine, which is neutral and polar, with arginine, which is basic and polar, at codon 47 of the DCX protein (p.Ser47Arg).

OMIM
Classification: Pathogenic for LISSENCEPHALY, X-LINKED, 1. Last evaluated: 1998-01-09. Review status: no assertion criteria provided. Collection method: literature only. Allele origin: germline. Not counted in ClinVar's aggregate classification.

OMIM
Classification: Pathogenic for SUBCORTICAL LAMINAR HETEROTOPIA, X-LINKED. Last evaluated: 1998-01-09. Review status: no assertion criteria provided. Collection method: literature only. Allele origin: germline. Not counted in ClinVar's aggregate classification.

Literature cited by the submitters: PubMed 22727374 (cited by Women's Health and Genetics/Laboratory Corporation of America, LabCorp); PubMed 9489700 (cited by 3 submitters); PubMed 22857951 (cited by Women's Health and Genetics/Laboratory Corporation of America, LabCorp and Labcorp Genetics (formerly Invitae), Labcorp); PubMed 10749977 (cited by Women's Health and Genetics/Laboratory Corporation of America, LabCorp and Labcorp Genetics (formerly Invitae), Labcorp); PubMed 11331616 (cited by Women's Health and Genetics/Laboratory Corporation of America, LabCorp and Labcorp Genetics (formerly Invitae), Labcorp); PubMed 23365099 (cited by Labcorp Genetics (formerly Invitae), Labcorp).